The following is an entry in ClinVar:

ClinVar aggregate classification (germline): Likely pathogenic (1 of 4 stars; one submission).

Conditions:
Nemaline myopathy 2 (NEM2). Also called: Nemaline myopathy 2, autosomal recessive. Identifiers: MedGen C1850569, MONDO:0009725, OMIM 256030.

Submission:

Natera, Inc.
Classification: Likely pathogenic for Nemaline myopathy type 2. Last evaluated: 2024-05-23. Review status: criteria provided, single submitter. Criteria: Natera Variant Classification Schema (03/2026). Collection method: clinical testing. Allele origin: germline.
Comment: The c.7212T>A variant in NEB is a nonsense variant predicted to introduce a stop codon at amino acid 2404. This variant is expected to result in nonsense mediated decay, truncation, or a dysfunctional protein product. This variant is rare in the general population with a frequency below the threshold expected for the associated phenotype(s). Given the available evidence, this variant is classified as Likely Pathogenic.

NM_001164508.2(NEB):c.7212T>A (p.Tyr2404Ter)

Gene: NEB (nebulin; minus strand). Cytogenetic location: 2q23.3.
Variant type: single nucleotide variant.
Coding change: c.7212T>A on transcript NM_001164508.2 (MANE Select); coding-DNA position 7212, T replaced by A.
Protein change: p.Tyr2404Ter; replaces tyrosine 2404 with a stop codon.
Molecular consequence: nonsense.
Genome position (GRCh38, 1-based): chr2:151,650,589, A>T on the plus strand (T>A on the coding strand, the complement: NEB is on the minus strand). VCF-style: chr2-151650589-A-T. GRCh37 (hg19) VCF-style: chr2-152507103-A-T.
Other names: c.7212T>A, p.Tyr2404Ter (NM_001164507.2, NM_001271208.2, NM_004543.5); short protein forms Y2404*.
Identifiers: ClinVar variation 4814784 (VCV004814784.1).